The following is an entry in ClinVar:

ClinVar aggregate classification (germline): Uncertain significance (1 of 4 stars; one submission).

Conditions:
Duchenne muscular dystrophy (DMD). Also called: MUSCULAR DYSTROPHY, PSEUDOHYPERTROPHIC PROGRESSIVE, DUCHENNE TYPE; Duchenne Muscular Dystrophy (DMD). Identifiers: Orphanet 98896, MedGen C0013264, MONDO:0010679, OMIM 310200.

Submission:

Labcorp Genetics (formerly Invitae), Labcorp
Classification: Uncertain significance for Duchenne muscular dystrophy. Last evaluated: 2023-10-03. Review status: criteria provided, single submitter. Criteria: Invitae Variant Classification Sherloc (09022015). Collection method: clinical testing. Allele origin: germline.
Comment: This sequence change replaces serine, which is neutral and polar, with proline, which is neutral and non-polar, at codon 738 of the DMD protein (p.Ser738Pro). This variant is not present in population databases (gnomAD no frequency). This variant has not been reported in the literature in individuals affected with DMD-related conditions. Advanced modeling of protein sequence and biophysical properties (such as structural, functional, and spatial information, amino acid conservation, physicochemical variation, residue mobility, and thermodynamic stability) performed at Invitae indicates that this missense variant is not expected to disrupt DMD protein function. In summary, the available evidence is currently insufficient to determine the role of this variant in disease. Therefore, it has been classified as a Variant of Uncertain Significance.

NM_004006.3(DMD):c.2212T>C (p.Ser738Pro)

Gene: DMD (dystrophin; minus strand). Cytogenetic location: Xp21.1.
Variant type: single nucleotide variant.
Coding change: c.2212T>C on transcript NM_004006.3 (MANE Select); coding-DNA position 2212, T replaced by C.
Protein change: p.Ser738Pro; replaces serine 738 with proline.
Molecular consequence: missense variant.
Genome position (GRCh38, 1-based): chrX:32,518,088, A>G on the plus strand (T>C on the coding strand, the complement: DMD is on the minus strand). VCF-style: chrX-32518088-A-G. GRCh37 (hg19) VCF-style: chrX-32536205-A-G.
Other names: c.2188T>C, p.Ser730Pro (NM_000109.4); c.2200T>C, p.Ser734Pro (NM_004009.3); c.1843T>C, p.Ser615Pro (NM_004010.3); short protein forms S615P, S734P, S738P, S730P.
Identifiers: ClinVar variation 2732391 (VCV002732391.3), dbSNP rs2525547286, ClinGen allele CA412664006.